The following is an entry in ClinVar:

ClinVar aggregate classification (germline): Benign. Review status: criteria provided, multiple submitters, no conflicts (2 of 4 stars). 5 submissions from 5 submitters: Benign (5). Last evaluated 2026-02-04.

Conditions:
Congenital ichthyosis of skin. Identifiers: MedGen C0020758.

Allele frequency attached by ClinVar (database versions not stated): TOPMed 0.04160; 1000 Genomes Project 0.04213; 1000 Genomes Project 30x 0.04497; ExAC 0.01182; ESP Exome Variant Server 0.04383.
gnomAD v4.1: 10,601 of 1,612,644 alleles (0.66%); highest among the groups gnomAD compares: African/African-American, 12%; 576 homozygotes.

Submissions (5):

Labcorp Genetics (formerly Invitae), Labcorp
Classification: Benign. Last evaluated: 2026-02-04. Review status: criteria provided, single submitter. Criteria: Invitae Variant Classification Sherloc (09022015). Collection method: clinical testing. Allele origin: germline.

Illumina Laboratory Services, Illumina
Classification: Benign for Congenital ichthyosis of skin. Last evaluated: 2018-03-06. Review status: criteria provided, single submitter. Criteria: ICSL Variant Classification Criteria 13 December 2019. Collection method: clinical testing. Allele origin: germline.
Comment: This variant was observed in the ICSL laboratory as part of a predisposition screen in an ostensibly healthy population. It had not been previously curated by ICSL or reported in the Human Gene Mutation Database (HGMD: prior to June 1st, 2018), and was therefore a candidate for classification through an automated scoring system. Utilizing variant allele frequency, disease prevalence and penetrance estimates, and inheritance mode, an automated score was calculated to assess if this variant is too frequent to cause the disease. Based on the score and internal cut-off values, a variant classified as benign is not then subjected to further curation. The score for this variant resulted in a classification of benign for this disease.

Center for Pediatric Genomic Medicine, Children's Mercy Hospital and Clinics
Classification: Benign. Last evaluated: 2015-12-22. Review status: criteria provided, single submitter. Criteria: ACMG Guidelines, 2015. Collection method: clinical testing. Allele origin: germline.

GeneDx
Classification: Benign. Last evaluated: 2015-03-03. Review status: criteria provided, single submitter. Criteria: GeneDx Variant Classification Process June 2021. Collection method: clinical testing. Allele origin: germline. Affected: yes.

Breakthrough Genomics
Classification: Benign. Review status: criteria provided, single submitter. Criteria: ACMG Guidelines, 2015. Collection method: not provided. Allele origin: germline. Inheritance: Autosomal recessive inheritance. Affected: yes.

NM_173076.3(ABCA12):c.859C>G (p.Arg287Gly)

Gene: ABCA12 (ATP binding cassette subfamily A member 12; minus strand). Cytogenetic location: 2q35.
Variant type: single nucleotide variant.
Coding change: c.859C>G on transcript NM_173076.3 (MANE Select); coding-DNA position 859, C replaced by G.
Protein change: p.Arg287Gly; replaces arginine 287 with glycine.
Molecular consequence: missense variant. On other transcripts: non-coding transcript variant (1).
Genome position (GRCh38, 1-based): chr2:215,045,850, G>C on the plus strand (C>G on the coding strand, the complement: ABCA12 is on the minus strand). VCF-style: chr2-215045850-G-C. GRCh37 (hg19) VCF-style: chr2-215910574-G-C.
Other names: short protein forms R287G.
Identifiers: ClinVar variation 235771 (VCV000235771.15), dbSNP rs11891778, ClinGen allele CA2092437.